The following is an entry in ClinVar:

NM_032119.4(ADGRV1):c.17349A>G (p.Ala5783=)

Gene: ADGRV1 (adhesion G protein-coupled receptor V1; plus strand). Cytogenetic location: 5q14.3.
Variant type: single nucleotide variant.
Coding change: c.17349A>G on transcript NM_032119.4 (MANE Select); coding-DNA position 17349, A replaced by G.
Protein change: p.Ala5783=; no amino-acid change (alanine 5783 retained).
Molecular consequence: synonymous variant. On other transcripts: non-coding transcript variant (1).
Genome position (GRCh38, 1-based): chr5:90,853,428, A>G. VCF-style: chr5-90853428-A-G. GRCh37 (hg19) VCF-style: chr5-90149245-A-G.
Other names: p.Ala5783=; c.17349A>G (NM_032119.3).
Identifiers: ClinVar variation 498235 (VCV000498235.14), dbSNP rs747992951, ClinGen allele CA3342348.
Genomic context (GRCh38, chr5:90,853,428, plus strand): 5'-TGAAGGAAAGGAAGGAGATTACATTCGAATTCCAGAGAGGCTACTGGATGTCCAGGATGC[A>G]GAAATAATGGCTGGGAAAAGTACATGTAAATTAGTCCAGTTTACAGAGTATAGCAGCCAA-3'
Protein context (NP_115495.3, residues 5773-5793): IPERLLDVQD[Ala5783=]EIMAGKSTCK

ClinVar aggregate classification (germline): Conflicting classifications of pathogenicity. Review status: criteria provided, conflicting classifications (1 of 4 stars). 4 submissions from 4 submitters: Uncertain significance (1); Likely benign (3). Last evaluated 2025-09-10.

Conditions:
ADGRV1-related disorder. Also called: ADGRV1-related condition; ADGRV1-related disorders.

Allele frequency attached by ClinVar (database versions not stated): gnomAD exomes 0.00001; ExAC 0.00002.
gnomAD v4.1: 13 of 1,613,606 alleles (0.00081%); highest among the groups gnomAD compares: Admixed American, 0.0017%; no homozygotes.

Submissions (4):

Labcorp Genetics (formerly Invitae), Labcorp
Classification: Likely benign. Last evaluated: 2025-09-10. Review status: criteria provided, single submitter. Criteria: Invitae Variant Classification Sherloc (09022015). Collection method: clinical testing. Allele origin: germline.

PreventionGenetics, part of Exact Sciences
Classification: Likely benign for ADGRV1-related condition. Last evaluated: 2025-04-14. Review status: criteria provided, single submitter. Criteria: ACMG Guidelines, 2015. Collection method: clinical testing. Allele origin: germline.
Comment: This variant is classified as likely benign based on ACMG/AMP sequence variant interpretation guidelines (Richards et al. 2015 PMID: 25741868, with internal and published modifications).

Mayo Clinic Laboratories, Mayo Clinic
Classification: Likely benign. Last evaluated: 2025-02-06. Review status: criteria provided, single submitter. Criteria: ACMG Guidelines, 2015. Collection method: clinical testing. Allele origin: germline. Observed: 1 variant allele.
Comment: BP4, BP7

Eurofins Ntd Llc (ga)
Classification: Uncertain significance. Last evaluated: 2016-11-21. Review status: criteria provided, single submitter. Criteria: EGL Classification Definitions 2015. Collection method: clinical testing. Allele origin: germline. Observed: 1 variant allele, 1 heterozygote.